The following is an entry in ClinVar:

NM_000203.5(IDUA):c.1190-2A>G

Gene: IDUA (alpha-L-iduronidase; plus strand). Cytogenetic location: 4p16.3.
Variant type: single nucleotide variant.
Coding change: c.1190-2A>G on transcript NM_000203.5 (MANE Select); the canonical splice acceptor site of the intron before coding-DNA position 1190, A replaced by G.
Molecular consequence: splice acceptor variant.
Genome position (GRCh38, 1-based): chr4:1,002,730, A>G. VCF-style: chr4-1002730-A-G. GRCh37 (hg19) VCF-style: chr4-996518-A-G.
Other names: c.794-2A>G (NM_001363576.1).
Identifiers: ClinVar variation 4817919 (VCV004817919.1).

ClinVar aggregate classification (germline): Pathogenic (1 of 4 stars; one submission).

Conditions:
Mucopolysaccharidosis type 1. Also called: IDUA deficiency; MPS I; Mucopolysaccharidosis Type I. Identifiers: Orphanet 579, MedGen C0023786, MONDO:0001586.

gnomAD v4.1: 1 of 1,335,744 alleles (0.000075%); highest among the groups gnomAD compares: East Asian, 0.0032%; no homozygotes.

Submission:

Natera, Inc.
Classification: Pathogenic for Mucopolysaccharidosis type I. Last evaluated: 2025-12-02. Review status: criteria provided, single submitter. Criteria: Natera Variant Classification Schema (03/2026). Collection method: clinical testing. Allele origin: germline.
Comment: The c.1190-2A>G variant in IDUA is a canonical splice acceptor site variant predicted to affect pre-mRNA splicing, which may result in an abnormal transcript and altered protein product. This variant is expected to result in nonsense mediated decay, truncation, or a dysfunctional protein product. This variant is rare in the general population with a frequency below the threshold expected for the associated phenotype(s). Another variant at this same site results in an alteration predicted to cause a similar molecular effect has been observed in individual(s) with the associated phenotype. Given the available evidence, this variant is classified as Pathogenic.